The following is an entry in ClinVar:

NM_212482.4(FN1):c.2686C>T (p.Gln896Ter)

Gene: FN1 (fibronectin 1; minus strand). Cytogenetic location: 2q35.
Variant type: single nucleotide variant.
Coding change: c.2686C>T on transcript NM_212482.4 (MANE Select); coding-DNA position 2686, C replaced by T.
Protein change: p.Gln896Ter; replaces glutamine 896 with a stop codon.
Molecular consequence: nonsense.
Genome position (GRCh38, 1-based): chr2:215,407,154, G>A on the plus strand (C>T on the coding strand, the complement: FN1 is on the minus strand). VCF-style: chr2-215407154-G-A. GRCh37 (hg19) VCF-style: chr2-216271877-G-A.
Other names: c.2686C>T, p.Gln896Ter (NM_001306129.2, NM_001306130.2, NM_001306131.2 and 13 more transcripts); short protein forms Q896*.
Identifiers: ClinVar variation 2682415 (VCV002682415.4), dbSNP rs2470053488, ClinGen allele CA350490252.

ClinVar aggregate classification (germline): Uncertain significance. Review status: criteria provided, multiple submitters, no conflicts (2 of 4 stars). 2 submissions from 2 submitters: Uncertain significance (2). Last evaluated 2023-12-13.

Submissions (2):

Labcorp Genetics (formerly Invitae), Labcorp
Classification: Uncertain significance. Last evaluated: 2023-12-13. Review status: criteria provided, single submitter. Criteria: Invitae Variant Classification Sherloc (09022015). Collection method: clinical testing. Allele origin: germline.
Comment: This sequence change creates a premature translational stop signal (p.Gln896*) in the FN1 gene. It is expected to result in an absent or disrupted protein product. However, the current clinical and genetic evidence is not sufficient to establish whether loss-of-function variants in FN1 cause disease. This variant is not present in population databases (gnomAD no frequency). This variant has not been reported in the literature in individuals affected with FN1-related conditions. In summary, the available evidence is currently insufficient to determine the role of this variant in disease. Therefore, it has been classified as a Variant of Uncertain Significance.

Women's Health and Genetics/Laboratory Corporation of America, LabCorp
Classification: Uncertain significance. Last evaluated: 2023-11-08. Review status: criteria provided, single submitter. Criteria: LabCorp Variant Classification Summary - May 2015. Collection method: clinical testing. Allele origin: germline.
Comment: Variant summary: FN1 c.2686C>T (p.Gln896X) results in a premature termination codon, predicted to cause a truncation of the encoded protein or absence of the protein due to nonsense mediated decay, however the molecular mechanism of disease attributed to FN1 is gain-of-function. The variant was absent in 251466 control chromosomes (gnomAD). The available data on variant occurrences in the general population are insufficient to allow any conclusion about variant significance. To our knowledge, no occurrence of c.2686C>T in individuals affected with Spondylometaphyseal Dysplasia-Sutcliffe Type and no experimental evidence demonstrating its impact on protein function have been reported. No submitters have cited clinical-significance assessments for this variant to ClinVar after 2014. Based on the evidence outlined above, the variant was classified as uncertain significance.